The following is an entry in ClinVar:

NM_017654.4(SAMD9):c.2028G>A (p.Lys676=)

Gene: SAMD9 (sterile alpha motif domain containing 9; minus strand). Cytogenetic location: 7q21.2.
Variant type: single nucleotide variant.
Coding change: c.2028G>A on transcript NM_017654.4 (MANE Select); coding-DNA position 2028, G replaced by A.
Protein change: p.Lys676=; no amino-acid change (lysine 676 retained).
Molecular consequence: synonymous variant.
Genome position (GRCh38, 1-based): chr7:93,104,070, C>T on the plus strand (G>A on the coding strand, the complement: SAMD9 is on the minus strand). VCF-style: chr7-93104070-C-T. GRCh37 (hg19) VCF-style: chr7-92733383-C-T.
Other names: c.2028G>A, p.Lys676= (NM_001193307.2).
Identifiers: ClinVar variation 721151 (VCV000721151.36), dbSNP rs779914159, ClinGen allele CA4342900.

ClinVar aggregate classification (germline): Likely benign. Review status: criteria provided, multiple submitters, no conflicts (2 of 4 stars). 4 submissions from 4 submitters: Likely benign (4). Last evaluated 2025-11-22.

Conditions:
Inborn genetic diseases. Identifiers: MedGen C0950123, MeSH D030342.

Allele frequency attached by ClinVar (database versions not stated): gnomAD exomes 0.00005 and 0.00012; ExAC 0.00006; gnomAD 0.00009; TOPMed 0.00013.
gnomAD v4.1: 99 of 1,613,794 alleles (0.0061%); highest among the groups gnomAD compares: Middle Eastern, 0.049%; no homozygotes.

Submissions (4):

Labcorp Genetics (formerly Invitae), Labcorp
Classification: Likely benign. Last evaluated: 2025-11-22. Review status: criteria provided, single submitter. Criteria: Invitae Variant Classification Sherloc (09022015). Collection method: clinical testing. Allele origin: germline.

Ambry Genetics
Classification: Likely benign for Inborn genetic diseases. Last evaluated: 2024-11-17. Review status: criteria provided, single submitter. Criteria: Ambry Variant Classification Scheme 2023. Collection method: clinical testing. Allele origin: germline.

Blueprint Genetics
Classification: Likely benign. Last evaluated: 2024-03-20. Review status: criteria provided, single submitter. Criteria: ACMG Guidelines, 2015. Collection method: clinical testing. Allele origin: germline.

CeGaT Center for Human Genetics Tuebingen
Classification: Likely benign. Last evaluated: 2022-10-01. Review status: criteria provided, single submitter. Criteria: CeGaT Center For Human Genetics Tuebingen Variant Classification Criteria Version 2. Collection method: clinical testing. Allele origin: germline. Affected: yes. Observed: 1 variant allele.
Comment: SAMD9: BP4, BP7